The following is an entry in ClinVar:

NM_025137.4(SPG11):c.5570T>G (p.Leu1857Arg)

Gene: SPG11 (SPG11 vesicle trafficking associated, spatacsin; minus strand). Cytogenetic location: 15q21.1.
Variant type: single nucleotide variant.
Coding change: c.5570T>G on transcript NM_025137.4 (MANE Select); coding-DNA position 5570, T replaced by G.
Protein change: p.Leu1857Arg; replaces leucine 1857 with arginine.
Molecular consequence: missense variant.
Genome position (GRCh38, 1-based): chr15:44,584,110, A>C on the plus strand (T>G on the coding strand, the complement: SPG11 is on the minus strand). VCF-style: chr15-44584110-A-C. GRCh37 (hg19) VCF-style: chr15-44876308-A-C.
Other names: c.5570T>G, p.Leu1857Arg (NM_001160227.2); short protein forms L1857R.
Identifiers: ClinVar variation 1516386 (VCV001516386.3), dbSNP rs1425480106, ClinGen allele CA392222106.
Genomic context (GRCh38, chr15:44,584,110, plus strand): 5'-GACTCCTGCTCTTTCCAATCCAATCTATTCTCGCATGTCTCTTTGGATGGAAGGCTGTTA[A>C]GTTCTAAGTATTTTGATGTGTTCAGAGCAGCCAACTTGGAGAAGGAAAACTCACTGGCTA-3'
Protein context (NP_079413.3, residues 1847-1867): AALNTSKYLE[Leu1857Arg]NSLPSKETCE

ClinVar aggregate classification (germline): Uncertain significance (1 of 4 stars; one submission).

Conditions:
Hereditary spastic paraplegia 11. Also called: Spastic paraplegia, mental retardation and thin corpus callosum; SPASTIC PARAPLEGIA, AUTOSOMAL RECESSIVE, COMPLICATED, WITH THIN CORPUS CALLOSUM; SPASTIC PARAPLEGIA, AUTOSOMAL RECESSIVE, WITH MENTAL IMPAIRMENT AND THIN CORPUS CALLOSUM; Spastic Paraplegia 11; Nakamura Osame syndrome; Autosomal recessive hereditary spastic paraplegia, mental impairment, and thin corpus callosum. Identifiers: Orphanet 2822, MedGen C1858479, MONDO:0011445, OMIM 604360.

Allele frequency attached by ClinVar (database versions not stated): TOPMed below 0.00001.

Submission:

Labcorp Genetics (formerly Invitae), Labcorp
Classification: Uncertain significance for Hereditary spastic paraplegia 11. Last evaluated: 2022-07-05. Review status: criteria provided, single submitter. Criteria: Invitae Variant Classification Sherloc (09022015). Collection method: clinical testing. Allele origin: germline.
Comment: This sequence change replaces leucine, which is neutral and non-polar, with arginine, which is basic and polar, at codon 1857 of the SPG11 protein (p.Leu1857Arg). This variant is not present in population databases (gnomAD no frequency). This variant has not been reported in the literature in individuals affected with SPG11-related conditions. ClinVar contains an entry for this variant (Variation ID: 1516386). Algorithms developed to predict the effect of missense changes on protein structure and function (SIFT, PolyPhen-2, Align-GVGD) all suggest that this variant is likely to be disruptive. Algorithms developed to predict the effect of sequence changes on RNA splicing suggest that this variant may create or strengthen a splice site. In summary, the available evidence is currently insufficient to determine the role of this variant in disease. Therefore, it has been classified as a Variant of Uncertain Significance.